The following is an entry in ClinVar:

ClinVar aggregate classification (germline): Pathogenic (1 of 4 stars; one submission).

Conditions:
ALG1-congenital disorder of glycosylation. Also called: CONGENITAL DISORDER OF GLYCOSYLATION, TYPE Ik; CDG Ik; ALG1-CDG. Identifiers: Orphanet 79327, MedGen C2931005, MONDO:0012052, OMIM 608540.

Submission:

Labcorp Genetics (formerly Invitae), Labcorp
Classification: Pathogenic for ALG1-congenital disorder of glycosylation. Last evaluated: 2025-05-27. Review status: criteria provided, single submitter. Criteria: Invitae Variant Classification Sherloc (09022015). Collection method: clinical testing. Allele origin: germline.
Comment: This sequence change creates a premature translational stop signal (p.Leu11Alafs*60) in the ALG1 gene. It is expected to result in an absent or disrupted protein product. Loss-of-function variants in ALG1 are known to be pathogenic (PMID: 20679665, 23806237). This variant is not present in population databases (gnomAD no frequency). This variant has not been reported in the literature in individuals affected with ALG1-related conditions. For these reasons, this variant has been classified as Pathogenic.

Literature cited by the submitters: PubMed 20679665; PubMed 23806237.

NM_019109.5(ALG1):c.30_43del (p.Leu11fs)

Genes: ALG1 (ALG1 chitobiosyldiphosphodolichol beta-mannosyltransferase; plus strand), LOC130058383 (ATAC-STARR-seq lymphoblastoid active region 10348; plus strand). Cytogenetic location: 16p13.3.
Variant type: Deletion.
Coding change: c.30_43del on transcript NM_019109.5 (MANE Select); coding-DNA positions 30 to 43, 14 bases deleted (GCTGTGTCTGCTGC).
Protein change: p.Leu11fs; shifts the reading frame from leucine 11.
Molecular consequence: frameshift variant.
Genome position (GRCh38, 1-based): chr16:5,071,879-5,071,892, GCTGTGTCTGCTGC deleted; deleting any 14 consecutive bases within chr16:5,071,877-5,071,892 gives the same sequence; the c. name uses the placement nearest the transcript's 3' end. VCF-style (leftmost placement, unchanged base first): chr16-5071876-GGCGCTGTGTCTGCT-G. GRCh37 (hg19) VCF-style: chr16-5121877-GGCGCTGTGTCTGCT-G.
Other names: c.30_43del, p.Leu11fs (NM_001438123.1); short protein forms L11fs.
Identifiers: ClinVar variation 4780818 (VCV004780818.1).